The following is an entry in ClinVar:

ClinVar aggregate classification (germline): Conflicting classifications of pathogenicity. Review status: criteria provided, conflicting classifications (1 of 4 stars). 3 submissions from 3 submitters: Uncertain significance (1); Likely benign (2). Last evaluated 2024-10-16.

Allele frequency attached by ClinVar (database versions not stated): TOPMed 0.00002; gnomAD 0.00004 and 0.00005; ExAC 0.00006; gnomAD exomes 0.00005.
gnomAD v4.1: 77 of 1,614,116 alleles (0.0048%); highest among the groups gnomAD compares: Non-Finnish European, 0.0029%; no homozygotes.

Submissions (3):

Women's Health and Genetics/Laboratory Corporation of America, LabCorp
Classification: Uncertain significance. Last evaluated: 2024-10-16. Review status: criteria provided, single submitter. Criteria: LabCorp Variant Classification Summary - May 2015. Collection method: clinical testing. Allele origin: germline.
Comment: Variant summary: TTBK2 c.2299G>A (p.Val767Met) results in a conservative amino acid change in the encoded protein sequence. Five of five in-silico tools predict a benign effect of the variant on protein function. The variant allele was found at a frequency of 4.8e-05 in 249544 control chromosomes. This frequency is not significantly higher than estimated for a pathogenic variant in TTBK2 causing Spinocerebellar Ataxia Type 11, allowing no conclusion about variant significance. To our knowledge, no occurrence of c.2299G>A in individuals affected with Spinocerebellar Ataxia Type 11 and no experimental evidence demonstrating its impact on protein function have been reported. ClinVar contains an entry for this variant (Variation ID: 586780). Based on the evidence outlined above, the variant was classified as uncertain significance.

Labcorp Genetics (formerly Invitae), Labcorp
Classification: Likely benign. Last evaluated: 2023-12-06. Review status: criteria provided, single submitter. Criteria: Invitae Variant Classification Sherloc (09022015). Collection method: clinical testing. Allele origin: germline.

Athena Diagnostics
Classification: Likely benign. Last evaluated: 2017-12-22. Review status: criteria provided, single submitter. Criteria: Athena Diagnostics Criteria. Collection method: clinical testing. Allele origin: germline.

NM_173500.4(TTBK2):c.2299G>A (p.Val767Met)

Gene: TTBK2 (tau tubulin kinase 2; minus strand). Cytogenetic location: 15q15.2.
Variant type: single nucleotide variant.
Coding change: c.2299G>A on transcript NM_173500.4 (MANE Select); coding-DNA position 2299, G replaced by A.
Protein change: p.Val767Met; replaces valine 767 with methionine.
Molecular consequence: missense variant.
Genome position (GRCh38, 1-based): chr15:42,752,947, C>T on the plus strand (G>A on the coding strand, the complement: TTBK2 is on the minus strand). VCF-style: chr15-42752947-C-T. GRCh37 (hg19) VCF-style: chr15-43045145-C-T.
Other names: short protein forms V767M.
Identifiers: ClinVar variation 586780 (VCV000586780.8), dbSNP rs752400040, ClinGen allele CA7516752.